The following is an entry in ClinVar:

ClinVar aggregate classification (germline): Benign/Likely benign. Review status: criteria provided, multiple submitters, no conflicts (2 of 4 stars). 5 submissions from 5 submitters: Benign (1); Likely benign (4). Last evaluated 2026-04-15.

Conditions:
DICER1-related tumor predisposition. Also called: DICER1-related pleuropulmonary blastoma cancer predisposition syndrome; DICER1 syndrome. Identifiers: Orphanet 284343, MedGen C3839822, MONDO:0100216.
Hereditary cancer-predisposing syndrome. Also called: Hereditary neoplastic syndrome; Neoplastic Syndromes, Hereditary; Hereditary Cancer Syndrome; Tumor predisposition. Identifiers: Orphanet 140162, MedGen C0027672, MeSH D009386, MONDO:0015356.

Allele frequency attached by ClinVar (database versions not stated): gnomAD 0.00003 and 0.00004; gnomAD exomes 0.00003; ExAC 0.00004; TOPMed 0.00002.
gnomAD v4.1: 65 of 1,613,704 alleles (0.004%); highest among the groups gnomAD compares: Non-Finnish European, 0.0053%; no homozygotes.

Submissions (5):

Myriad Genetics, Inc.
Classification: Benign for DICER1-related tumor predisposition. Last evaluated: 2026-04-15. Review status: criteria provided, single submitter. Criteria: Myriad Autosomal Dominant, Autosomal Recessive and X-Linked Classification Criteria (2023). Collection method: clinical testing. Allele origin: unknown.
Comment: This variant is considered benign. This variant is a silent/synonymous amino acid change and it is not expected to impact splicing.

Labcorp Genetics (formerly Invitae), Labcorp
Classification: Likely benign for DICER1-related tumor predisposition. Last evaluated: 2026-01-27. Review status: criteria provided, single submitter. Criteria: Invitae Variant Classification Sherloc (09022015). Collection method: clinical testing. Allele origin: germline.

Mayo Clinic Laboratories, Mayo Clinic
Classification: Likely benign. Last evaluated: 2025-03-17. Review status: criteria provided, single submitter. Criteria: ACMG Guidelines, 2015. Collection method: clinical testing. Allele origin: germline. Observed: 1 variant allele.
Comment: BP4, BP7

Center for Genomic Medicine, Rigshospitalet, Copenhagen University Hospital
Classification: Likely benign. Last evaluated: 2025-03-04. Review status: criteria provided, single submitter. Criteria: ACMG Guidelines, 2015. Collection method: clinical testing. Allele origin: germline.

Ambry Genetics
Classification: Likely benign for Hereditary cancer-predisposing syndrome. Last evaluated: 2017-08-11. Review status: criteria provided, single submitter. Criteria: Ambry Variant Classification Scheme 2023. Collection method: clinical testing. Allele origin: germline.

NM_177438.3(DICER1):c.1317C>G (p.Thr439=)

Gene: DICER1 (dicer 1, ribonuclease III; minus strand). Cytogenetic location: 14q32.13.
Variant type: single nucleotide variant.
Coding change: c.1317C>G on transcript NM_177438.3 (MANE Select); coding-DNA position 1317, C replaced by G.
Protein change: p.Thr439=; no amino-acid change (threonine 439 retained).
Molecular consequence: synonymous variant.
Genome position (GRCh38, 1-based): chr14:95,124,255, G>C on the plus strand (C>G on the coding strand, the complement: DICER1 is on the minus strand). VCF-style: chr14-95124255-G-C. GRCh37 (hg19) VCF-style: chr14-95590592-G-C.
Other names: p.Thr439=; c.1317C>G, p.Thr439= (NM_001195573.1, NM_001271282.3, NM_001291628.2 and 1 more transcripts).
Identifiers: ClinVar variation 242036 (VCV000242036.23), dbSNP rs528592903, ClinGen allele CA7331507.